The following is an entry in ClinVar:

NM_006236.3(POU3F3):c.910G>T (p.Gly304Ter)

Gene: POU3F3 (POU class 3 homeobox 3; plus strand). Cytogenetic location: 2q12.1.
Variant type: single nucleotide variant.
Coding change: c.910G>T on transcript NM_006236.3 (MANE Select); coding-DNA position 910, G replaced by T.
Protein change: p.Gly304Ter; replaces glycine 304 with a stop codon.
Molecular consequence: nonsense.
Genome position (GRCh38, 1-based): chr2:104,856,420, G>T. VCF-style: chr2-104856420-G-T. GRCh37 (hg19) VCF-style: chr2-105472878-G-T.
Other names: c.910G>T, p.Gly304Ter (NM_001433704.1); short protein forms G304*.
Identifiers: ClinVar variation 4862423 (VCV004862423.1).

ClinVar aggregate classification (germline): Pathogenic (1 of 4 stars; one submission).

Conditions:
Inborn genetic diseases. Identifiers: MedGen C0950123, MeSH D030342.

Submission:

Ambry Genetics
Classification: Pathogenic for Inborn genetic diseases. Last evaluated: 2026-05-07. Review status: criteria provided, single submitter. Criteria: Ambry Variant Classification Scheme 2023. Collection method: clinical testing. Allele origin: germline.
Comment: The c.910G>T (p.G304*) alteration, located in exon 1 (coding exon 1) of the POU3F3 gene, consists of a G to T substitution at nucleotide position 910. This changes the amino acid from a glycine (G) to a stop codon at amino acid position 304. This variant is not expected to trigger nonsense-mediated mRNA decay, and impacts the last 39% of the protein. However, premature stop codons are typically deleterious in nature, the impacted region is critical for protein function, and a significant portion of the protein is affected (Ambry internal data). This variant was not reported in population-based cohorts in the Genome Aggregation Database (gnomAD). Based on the available evidence, this alteration is classified as pathogenic.